The following is an entry in ClinVar:

ClinVar aggregate classification (germline): Uncertain significance. Review status: criteria provided, multiple submitters, no conflicts (2 of 4 stars). 2 submissions from 2 submitters: Uncertain significance (2). Last evaluated 2025-04-12.

Conditions:
Inborn genetic diseases. Identifiers: MedGen C0950123, MeSH D030342.
Autosomal recessive severe congenital neutropenia due to JAGN1 deficiency. Also called: Severe congenital neutropenia 6, autosomal recessive. Identifiers: Orphanet 423384, MedGen C4014954, MONDO:0014456, OMIM 616022.

Allele frequency attached by ClinVar (database versions not stated): gnomAD 0.00008 and 0.00009; gnomAD exomes 0.00002; ExAC 0.00003; ESP Exome Variant Server 0.00008; TOPMed 0.00011.
gnomAD v4.1: 25 of 1,613,310 alleles (0.0015%); highest among the groups gnomAD compares: African/African-American, 0.029%; no homozygotes.

Submissions (2):

Ambry Genetics
Classification: Uncertain significance for Inborn genetic diseases. Last evaluated: 2025-04-12. Review status: criteria provided, single submitter. Criteria: Ambry Variant Classification Scheme 2023. Collection method: clinical testing. Allele origin: germline.

Labcorp Genetics (formerly Invitae), Labcorp
Classification: Uncertain significance for Autosomal recessive severe congenital neutropenia due to JAGN1 deficiency. Last evaluated: 2022-06-13. Review status: criteria provided, single submitter. Criteria: Invitae Variant Classification Sherloc (09022015). Collection method: clinical testing. Allele origin: germline.
Comment: In summary, the available evidence is currently insufficient to determine the role of this variant in disease. Therefore, it has been classified as a Variant of Uncertain Significance. Algorithms developed to predict the effect of missense changes on protein structure and function are either unavailable or do not agree on the potential impact of this missense change (SIFT: "Tolerated"; PolyPhen-2: "Possibly Damaging"; Align-GVGD: "Class C0"). This variant has not been reported in the literature in individuals affected with JAGN1-related conditions. This variant is present in population databases (rs370035886, gnomAD 0.03%). This sequence change replaces phenylalanine, which is neutral and non-polar, with leucine, which is neutral and non-polar, at codon 174 of the JAGN1 protein (p.Phe174Leu).

NM_032492.4(JAGN1):c.522C>G (p.Phe174Leu)

Gene: JAGN1 (jagunal vesicle mediated transporter 1; plus strand). Cytogenetic location: 3p25.3.
Variant type: single nucleotide variant.
Coding change: c.522C>G on transcript NM_032492.4 (MANE Select); coding-DNA position 522, C replaced by G.
Protein change: p.Phe174Leu; replaces phenylalanine 174 with leucine.
Molecular consequence: missense variant.
Genome position (GRCh38, 1-based): chr3:9,893,347, C>G. VCF-style: chr3-9893347-C-G. GRCh37 (hg19) VCF-style: chr3-9935031-C-G.
Other names: c.360C>G, p.Phe120Leu (NM_001363890.1); c.522C>G (NM_032492.3); short protein forms F120L, F174L.
Identifiers: ClinVar variation 1400765 (VCV001400765.6), dbSNP rs370035886, ClinGen allele CA2245908.
Genomic context (GRCh38, chr3:9,893,347, plus strand): 5'-GGCAGTGCAAGTGCATGCCTGGCAGTTGTACTACAGCAAGAAGCTCCTAGACTCTTGGTT[C>G]ACCAGCACACAGGAGAAGAAGCATAAATGAAGCCTCTTTGGGGTGAAGCCTGGACATCCC-3'
Protein context (NP_115881.3, residues 164-183): YYSKKLLDSW[Phe174Leu]TSTQEKKHK